The following is an entry in ClinVar:

NM_000426.4(LAMA2):c.2070_2071insGCCAA (p.Ser691fs)

Gene: LAMA2 (laminin subunit alpha 2; plus strand). Cytogenetic location: 6q22.33.
Variant type: Insertion.
Coding change: c.2070_2071insGCCAA on transcript NM_000426.4 (MANE Select); coding-DNA positions 2070 to 2071, GCCAA inserted.
Protein change: p.Ser691fs; shifts the reading frame from serine 691.
Molecular consequence: frameshift variant.
Genome position: GRCh38 VCF-style: chr6-129252269-C-CGCCAA. GRCh37 (hg19) VCF-style: chr6-129573414-C-CGCCAA.
Other names: c.2070_2071insGCCAA, p.Ser691fs (NM_001079823.2); short protein forms S691fs.
Identifiers: ClinVar variation 5014763 (VCV005014763.1).

ClinVar aggregate classification (germline): Pathogenic (1 of 4 stars; one submission).

Conditions:
LAMA2-related muscular dystrophy (LAMA2-RD). Also called: Laminin alpha 2-related dystrophy. Identifiers: MedGen C5679788, MONDO:0100228.

Submission:

Myriad Genetics, Inc.
Classification: Pathogenic for LAMA2-related muscular dystrophy. Last evaluated: 2025-07-22. Review status: criteria provided, single submitter. Criteria: Myriad Autosomal Dominant, Autosomal Recessive and X-Linked Classification Criteria (2023). Collection method: clinical testing. Allele origin: unknown.
Comment: NM_000426.3(LAMA2):c.2070_2071ins5(S691Afs*12) is expected to be pathogenic in the context of muscular dystrophy, LAMA2-related. This variant is predicted to lead to an abnormal or absent protein product due to the creation of a premature termination codon in LAMA2, a gene where loss-of-function variants are known to be pathogenic. Please note: this variant was assessed in the context of healthy population screening.